The following is an entry in ClinVar:

NM_022893.4(BCL11A):c.417_421del (p.Pro140fs)

Gene: BCL11A (BCL11 transcription factor A; minus strand). Cytogenetic location: 2p16.1.
Variant type: Deletion.
Coding change: c.417_421del on transcript NM_022893.4 (MANE Select); coding-DNA positions 417 to 421, 5 bases deleted (CCCTC; older notation c.417_421delCCCTC).
Protein change: p.Pro140fs; shifts the reading frame from proline 140.
Molecular consequence: frameshift variant. On other transcripts: intron variant (2).
Genome position (GRCh38, 1-based): chr2:60,468,798-60,468,802, GAGGG deleted on the plus strand (CCCTC on the coding strand, the reverse complement: BCL11A is on the minus strand); deleting any 5 consecutive bases within chr2:60,468,798-60,468,806 gives the same sequence; the c. name uses the placement nearest the transcript's 3' end. VCF-style (leftmost placement, unchanged base first): chr2-60468797-CGAGGG-C. GRCh37 (hg19) VCF-style: chr2-60695932-CGAGGG-C.
Other names: c.417_421del, p.Pro140fs (NM_018014.4, NM_138559.2); c.386-6378_386-6374del (NM_001363864.1, NM_001365609.1); short protein forms P140fs.
Identifiers: ClinVar variation 817215 (VCV000817215.1), dbSNP rs1572967548, ClinGen allele CA915943900.

ClinVar aggregate classification (germline): Pathogenic (1 of 4 stars; one submission).

Submission:

GeneDx
Classification: Pathogenic. Last evaluated: 2018-09-14. Review status: criteria provided, single submitter. Criteria: GeneDx Variant Classification (06012015). Collection method: clinical testing. Allele origin: germline. Affected: yes.
Comment: The c.417_421delCCCTC pathogenic variant has not been published as a pathogenic variant, nor has it been reported as a benign variant to our knowledge. This variant is not observed in large population cohorts (Lek et al., 2016). The c.417_421delCCCTC variant causes a frameshift starting with codon Proline 140, changes this amino acid to a Phenylalanine residue, and creates a premature Stop codon at position 23 of the new reading frame, denoted p.Pro140PhefsX23. This variant is predicted to cause loss of normal protein function through protein truncation as the last 696 amino acids are lost and replaced with 22 incorrect amino acids.